The following is an entry in ClinVar:

NM_181523.3(PIK3R1):c.1019+5_1019+7del

Gene: PIK3R1 (phosphoinositide-3-kinase regulatory subunit 1; plus strand). Cytogenetic location: 5q13.1.
Variant type: Deletion.
Coding change: c.1019+5_1019+7del on transcript NM_181523.3 (MANE Select); bases 5 to 7 of the intron after coding-DNA position 1019, 3 bases deleted (GGC; older notation c.1019+5_1019+7delGGC).
Molecular consequence: intron variant.
Genome position (GRCh38, 1-based): chr5:68,292,366-68,292,368, GGC deleted. VCF-style (leftmost placement, unchanged base first): chr5-68292365-AGGC-A. GRCh37 (hg19) VCF-style: chr5-67588193-AGGC-A.
Other names: c.119+5_119+7del (NM_181524.2); c.209+5_209+7del (NM_181504.4).
Identifiers: ClinVar variation 2927620 (VCV002927620.3), dbSNP rs555100749, ClinGen allele CA3290266.

ClinVar aggregate classification (germline): Uncertain significance (1 of 4 stars; one submission).

Conditions:
SHORT syndrome. Also called: LIPODYSTROPHY, PARTIAL, WITH RIEGER ANOMALY AND SHORT STATURE; PIK3R1-Related SHORT Syndrome; SHORT STATURE, HYPEREXTENSIBILITY, HERNIA, OCULAR DEPRESSION, RIEGER ANOMALY, AND TEETHING DELAY. Identifiers: Orphanet 3163, MedGen C0878684, MONDO:0010026, OMIM 269880.
Agammaglobulinemia 7, autosomal recessive (AGM7). Also called: AGAMMAGLOBULINEMIA, AUTOSOMAL RECESSIVE, DUE TO PIK3R1 DEFECT. Identifiers: MedGen C3554689, MONDO:0014083, OMIM 615214.
Immunodeficiency 36 with lymphoproliferation. Also called: Immunodeficiency 36; ACTIVATED PI3K-DELTA SYNDROME 2; Activated PI3K Delta Syndrome Type 2 (APDS2). Identifiers: Orphanet 397596, Orphanet 693681, MedGen C4014934, MONDO:0014453, OMIM 616005.

Allele frequency attached by ClinVar (database versions not stated): gnomAD 0.00003; gnomAD exomes 0.00003; ExAC 0.00007.

Submission:

Labcorp Genetics (formerly Invitae), Labcorp
Classification: Uncertain significance for SHORT syndrome; Immunodeficiency 36 with lymphoproliferation; Agammaglobulinemia 7, autosomal recessive. Last evaluated: 2025-12-17. Review status: criteria provided, single submitter. Criteria: Invitae Variant Classification Sherloc (09022015). Collection method: clinical testing. Allele origin: germline.
Comment: This sequence change falls in intron 8 of the PIK3R1 gene. It does not directly change the encoded amino acid sequence of the PIK3R1 protein. It affects a nucleotide within the consensus splice site. This variant is present in population databases (rs555100749, gnomAD 0.05%). This variant has not been reported in the literature in individuals affected with PIK3R1-related conditions. ClinVar contains an entry for this variant (Variation ID: 2927620). Variants that disrupt the consensus splice site are a relatively common cause of aberrant splicing (PMID: 17576681, 9536098). Algorithms developed to predict the effect of sequence changes on RNA splicing suggest that this variant is not likely to affect RNA splicing. In summary, the available evidence is currently insufficient to determine the role of this variant in disease. Therefore, it has been classified as a Variant of Uncertain Significance.

Literature cited by the submitters: PubMed 17576681; PubMed 9536098.